The following is an entry in ClinVar:

ClinVar aggregate classification (germline): Uncertain significance. Review status: criteria provided, multiple submitters, no conflicts (2 of 4 stars). 2 submissions from 2 submitters: Uncertain significance (2). Last evaluated 2024-02-06.

Conditions:
Aarskog syndrome (AAS). Also called: Aarskog-Scott syndrome, X-linked; FGD1-Related Faciogenital Dysplasia (Aarskog-Scott Syndrome); FGDY; Aarskog Scott syndrome; Aarskog disease. Identifiers: Orphanet 915, MedGen C0175701, MONDO:0010589, OMIM 305400.

Allele frequency attached by ClinVar (database versions not stated): gnomAD exomes 0.00001.

Submissions (2):

Institute of Human Genetics, Clinical Exome/Genome Diagnostics Group, University Hospital Bonn
Classification: Uncertain significance for Aarskog syndrome. Last evaluated: 2024-02-06. Review status: criteria provided, single submitter. Criteria: ACMG Guidelines, 2015. Collection method: clinical testing. Allele origin: maternal.

GeneDx
Classification: Uncertain significance. Last evaluated: 2020-10-29. Review status: criteria provided, single submitter. Criteria: GeneDx Variant Classification Process June 2021. Collection method: clinical testing. Allele origin: germline. Affected: yes.
Comment: In silico analysis supports that this missense variant has a deleterious effect on protein structure/function; Has not been previously published as pathogenic or benign to our knowledge

NM_004463.3(FGD1):c.1222C>T (p.Arg408Trp)

Gene: FGD1 (FYVE, RhoGEF and PH domain containing 1; minus strand). Cytogenetic location: Xp11.22.
Variant type: single nucleotide variant.
Coding change: c.1222C>T on transcript NM_004463.3 (MANE Select); coding-DNA position 1222, C replaced by T.
Protein change: p.Arg408Trp; replaces arginine 408 with tryptophan.
Molecular consequence: missense variant.
Genome position (GRCh38, 1-based): chrX:54,467,902, G>A on the plus strand (C>T on the coding strand, the complement: FGD1 is on the minus strand). VCF-style: chrX-54467902-G-A. GRCh37 (hg19) VCF-style: chrX-54494335-G-A.
Other names: short protein forms R408W.
Identifiers: ClinVar variation 1303948 (VCV001303948.3), dbSNP rs1306764549, ClinGen allele CA413246798.